The following is an entry in ClinVar:

ClinVar aggregate classification (germline): Likely benign (1 of 4 stars; one submission).

Submission:

Women's Health and Genetics/Laboratory Corporation of America, LabCorp
Classification: Likely benign. Last evaluated: 2021-04-24. Review status: criteria provided, single submitter. Criteria: LabCorp Variant Classification Summary - May 2015. Collection method: clinical testing. Allele origin: germline.
Comment: Variant summary: BRCA1 c.4671T>C alters a conserved nucleotide resulting in a synonymous change. 4/4 computational tools predict no significant impact on normal splicing. However, these predictions have yet to be confirmed by functional studies. The variant was absent in 251130 control chromosomes. The available data on variant occurrences in the general population are insufficient to allow any conclusion about variant significance. To our knowledge, no occurrence of c.4671T>C in individuals affected with Hereditary Breast And Ovarian Cancer Syndrome and no experimental evidence demonstrating its impact on protein function have been reported. No clinical diagnostic laboratories have submitted clinical-significance assessments for this variant to ClinVar after 2014. Based on the evidence outlined above, the variant was classified as likely benign.

NM_007294.4(BRCA1):c.4671T>C (p.Asp1557=)

Gene: BRCA1 (BRCA1 DNA repair associated; minus strand). Cytogenetic location: 17q21.31.
Variant type: single nucleotide variant.
Coding change: c.4671T>C on transcript NM_007294.4 (MANE Select); coding-DNA position 4671, T replaced by C.
Protein change: p.Asp1557=; no amino-acid change (aspartic acid 1557 retained).
Molecular consequence: synonymous variant. On other transcripts: intron variant (3).
Genome position (GRCh38, 1-based): chr17:43,074,335, A>G on the plus strand (T>C on the coding strand, the complement: BRCA1 is on the minus strand). VCF-style: chr17-43074335-A-G. GRCh37 (hg19) VCF-style: chr17-41226352-A-G.
Other names: c.4671T>C, p.Asp1557= (NM_001407598.1, NM_001407602.1, NM_001407603.1 and 8 more transcripts); c.4668T>C, p.Asp1556= (NM_001407610.1, NM_001407611.1, NM_001407612.1 and 17 more transcripts); c.4665T>C, p.Asp1555= (NM_001407627.1, NM_001407628.1, NM_001407629.1 and 14 more transcripts); c.4662T>C, p.Asp1554= (NM_001407644.1, NM_001407645.1); c.4659T>C, p.Asp1553= (NM_001407646.1); c.4656T>C, p.Asp1552= (NM_001407647.1); c.4614T>C, p.Asp1538= (NM_001407648.1); c.4611T>C, p.Asp1537= (NM_001407649.1); and 71 more.
Identifiers: ClinVar variation 1098753 (VCV001098753.2), dbSNP rs1597835696, ClinGen allele CA500146491.